The following is an entry in ClinVar:

NM_020922.5(WNK3):c.3782A>G (p.Lys1261Arg)

Gene: WNK3 (WNK lysine deficient protein kinase 3; minus strand). Cytogenetic location: Xp11.22.
Variant type: single nucleotide variant.
Coding change: c.3782A>G on transcript NM_020922.5 (MANE Select); coding-DNA position 3782, A replaced by G.
Protein change: p.Lys1261Arg; replaces lysine 1261 with arginine.
Molecular consequence: missense variant. On other transcripts: intron variant (2).
Genome position (GRCh38, 1-based): chrX:54,238,969, T>C on the plus strand (A>G on the coding strand, the complement: WNK3 is on the minus strand). VCF-style: chrX-54238969-T-C. GRCh37 (hg19) VCF-style: chrX-54265402-T-C.
Other names: c.3742+40A>G (NM_001395166.1, NM_001002838.4); short protein forms K1261R.
Identifiers: ClinVar variation 3373012 (VCV003373012.1).

ClinVar aggregate classification (germline): Uncertain significance (1 of 4 stars; one submission).

Submission:

GeneDx
Classification: Uncertain significance. Last evaluated: 2024-04-23. Review status: criteria provided, single submitter. Criteria: GeneDx Variant Classification Process June 2021. Collection method: clinical testing. Allele origin: germline. Affected: yes.
Comment: Not observed at significant frequency in large population cohorts (gnomAD); In silico analysis indicates that this missense variant does not alter protein structure/function; Has not been previously published as pathogenic or benign to our knowledge